The following is an entry in ClinVar:

ClinVar aggregate classification (germline): Uncertain significance. Review status: criteria provided, multiple submitters, no conflicts (2 of 4 stars). 2 submissions from 2 submitters: Uncertain significance (2). Last evaluated 2022-05-06.

Conditions:
Spastic paraplegia. Identifiers: MedGen C0037772, HP:0001258.

Allele frequency attached by ClinVar (database versions not stated): TOPMed below 0.00001; ExAC 0.00001; gnomAD 0.00001.

Submissions (2):

Labcorp Genetics (formerly Invitae), Labcorp
Classification: Uncertain significance for Spastic paraplegia. Last evaluated: 2022-05-06. Review status: criteria provided, single submitter. Criteria: Invitae Variant Classification Sherloc (09022015). Collection method: clinical testing. Allele origin: germline.
Comment: This sequence change replaces phenylalanine, which is neutral and non-polar, with valine, which is neutral and non-polar, at codon 1979 of the SACS protein (p.Phe1979Val). This variant is not present in population databases (gnomAD no frequency). This variant has not been reported in the literature in individuals affected with SACS-related conditions. Advanced modeling of protein sequence and biophysical properties (such as structural, functional, and spatial information, amino acid conservation, physicochemical variation, residue mobility, and thermodynamic stability) performed at Invitae indicates that this missense variant is not expected to disrupt SACS protein function. In summary, the available evidence is currently insufficient to determine the role of this variant in disease. Therefore, it has been classified as a Variant of Uncertain Significance.

Athena Diagnostics
Classification: Uncertain significance. Last evaluated: 2021-09-28. Review status: criteria provided, single submitter. Criteria: Athena Diagnostics Criteria. Collection method: clinical testing. Allele origin: unknown.

NM_014363.6(SACS):c.5935T>G (p.Phe1979Val)

Gene: SACS (sacsin molecular chaperone; minus strand). Cytogenetic location: 13q12.12.
Variant type: single nucleotide variant.
Coding change: c.5935T>G on transcript NM_014363.6 (MANE Select); coding-DNA position 5935, T replaced by G.
Protein change: p.Phe1979Val; replaces phenylalanine 1979 with valine.
Molecular consequence: missense variant.
Genome position (GRCh38, 1-based): chr13:23,337,941, A>C on the plus strand (T>G on the coding strand, the complement: SACS is on the minus strand). VCF-style: chr13-23337941-A-C. GRCh37 (hg19) VCF-style: chr13-23912080-A-C.
Other names: c.5494T>G, p.Phe1832Val (NM_001278055.2); short protein forms F1832V, F1979V.
Identifiers: ClinVar variation 1806965 (VCV001806965.6), dbSNP rs749322141, ClinGen allele CA6911168.